The following is an entry in ClinVar:

NM_003764.4(STX11):c.207C>G (p.Asn69Lys)

Gene: STX11 (syntaxin 11; plus strand). Cytogenetic location: 6q24.2.
Variant type: single nucleotide variant.
Coding change: c.207C>G on transcript NM_003764.4 (MANE Select); coding-DNA position 207, C replaced by G.
Protein change: p.Asn69Lys; replaces asparagine 69 with lysine.
Molecular consequence: missense variant.
Genome position (GRCh38, 1-based): chr6:144,186,834, C>G. VCF-style: chr6-144186834-C-G. GRCh37 (hg19) VCF-style: chr6-144507971-C-G.
Other names: short protein forms N69K.
Identifiers: ClinVar variation 2967838 (VCV002967838.3), dbSNP rs752945709, ClinGen allele CA365948753.

ClinVar aggregate classification (germline): Uncertain significance (1 of 4 stars; one submission).

Conditions:
Familial hemophagocytic lymphohistiocytosis 4 (FHL4). Also called: STX11-Related Familial Hemophagocytic Lymphohistiocytosis (STX11-fHLH). Identifiers: Orphanet 540, MedGen C1863728, MONDO:0011336, OMIM 603552.

gnomAD v4.1: 1 of 1,613,366 alleles (0.000062%); highest among the groups gnomAD compares: Non-Finnish European, 0.000085%; no homozygotes.

Submission:

Labcorp Genetics (formerly Invitae), Labcorp
Classification: Uncertain significance for Familial hemophagocytic lymphohistiocytosis 4. Last evaluated: 2023-04-06. Review status: criteria provided, single submitter. Criteria: Invitae Variant Classification Sherloc (09022015). Collection method: clinical testing. Allele origin: germline.
Comment: This sequence change replaces asparagine, which is neutral and polar, with lysine, which is basic and polar, at codon 69 of the STX11 protein (p.Asn69Lys). This variant is not present in population databases (gnomAD no frequency). This variant has not been reported in the literature in individuals affected with STX11-related conditions. Advanced modeling of protein sequence and biophysical properties (such as structural, functional, and spatial information, amino acid conservation, physicochemical variation, residue mobility, and thermodynamic stability) performed at Invitae indicates that this missense variant is not expected to disrupt STX11 protein function. In summary, the available evidence is currently insufficient to determine the role of this variant in disease. Therefore, it has been classified as a Variant of Uncertain Significance.